The following is an entry in ClinVar:

ClinVar aggregate classification (germline): Likely pathogenic. Review status: criteria provided, multiple submitters, no conflicts (2 of 4 stars). 2 submissions from 2 submitters: Likely pathogenic (2). Last evaluated 2024-07-26.

Conditions:
Exostoses, multiple, type 2 (EXT2). Also called: EXOSTOSES, MULTIPLE, TYPE II; Hereditary Multiple Osteochondromatosis, Type II. Identifiers: Orphanet 321, MedGen C1851413, MONDO:0007586, OMIM 133701.

Allele frequency attached by ClinVar (database versions not stated): gnomAD exomes below 0.00001.

Submissions (2):

GeneDx
Classification: Likely pathogenic. Last evaluated: 2024-07-26. Review status: criteria provided, single submitter. Criteria: GeneDx Variant Classification Process June 2021. Collection method: clinical testing. Allele origin: germline. Affected: yes.
Comment: Frameshift variant predicted to result in protein truncation or nonsense mediated decay in a gene for which loss of function is a known mechanism of disease; Not observed at significant frequency in large population cohorts (gnomAD); Has not been previously published as pathogenic or benign to our knowledge

St. Jude Molecular Pathology, St. Jude Children's Research Hospital
Classification: Likely pathogenic for Exostoses, multiple, type 2. Last evaluated: 2023-07-11. Review status: criteria provided, single submitter. Criteria: St. Jude Assertion Criteria 2020. Collection method: clinical testing. Allele origin: germline.
Comment: The EXT2 c.1877del (p.Val626GlyfsTer28) change deletes one nucleotide to cause a frameshift and the creation of a premature stop codon. This change is predicted to cause protein truncation or absence of protein due to nonsense-mediated decay. To our knowledge, this variant has not been reported in individuals with hereditary multiple exostoses. This variant is absent in gnomAD v2.1.1. Of note, this variant corresponds to NM_207122.2: c.1778del (p.Val593Glyfs*28) in the MANE select transcript. In summary, this variant meets criteria to be classified as likely pathogenic.?

NM_207122.2(EXT2):c.1778del (p.Val593fs)

Gene: EXT2 (exostosin glycosyltransferase 2; plus strand). Cytogenetic location: 11p11.2.
Variant type: Deletion.
Coding change: c.1778del on transcript NM_207122.2 (MANE Select); coding-DNA position 1778, one base deleted (T; older notation c.1778delT).
Protein change: p.Val593fs; shifts the reading frame from valine 593.
Molecular consequence: frameshift variant.
Genome position (GRCh38, 1-based): chr11:44,232,468, T deleted. VCF-style (leftmost placement, unchanged base first): chr11-44232467-GT-G. GRCh37 (hg19) VCF-style: chr11-44254017-GT-G.
Other names: c.1778del (NM_207122.1); c.1877del, p.Val626fs (NM_000401.3); c.1808del, p.Val603fs (NM_001178083.3); c.1778del, p.Val593fs (NM_001389628.1, NM_001389630.1); short protein forms V593fs, V603fs, V626fs.
Identifiers: ClinVar variation 2577904 (VCV002577904.2), dbSNP rs2539780098, ClinGen allele CA2580617511.